The following is an entry in ClinVar:

NM_000059.4(BRCA2):c.632-3_632-2del

Gene: BRCA2 (BRCA2 DNA repair associated; plus strand). Cytogenetic location: 13q13.1.
Variant type: Deletion.
Coding change: c.632-3_632-2del on transcript NM_000059.4 (MANE Select); 3 bases into the intron before coding-DNA position 632 through the canonical splice acceptor site of the intron before coding-DNA position 632, 2 bases deleted (CA; older notation c.632-3_632-2delCA).
Molecular consequence: splice acceptor variant.
Genome position (GRCh38, 1-based): chr13:32,329,440-32,329,441, CA deleted; deleting any 2 consecutive bases within chr13:32,329,439-32,329,441 gives the same sequence; the c. name uses the placement nearest the transcript's 3' end. VCF-style (leftmost placement, unchanged base first): chr13-32329438-TAC-T. GRCh37 (hg19) VCF-style: chr13-32903575-TAC-T.
Other names: IVS7-3delCA; c.632-3_632-2delCA (NM_000059.3).
Identifiers: ClinVar variation 96837 (VCV000096837.26), dbSNP rs431825341, ClinGen allele CA023898.

ClinVar aggregate classification (germline): Uncertain significance. Review status: criteria provided, multiple submitters, no conflicts (2 of 4 stars). 7 submissions from 7 submitters: Uncertain significance (6). 1 of the submissions does not count toward it. Last evaluated 2026-01-17.

Conditions:
Hereditary cancer-predisposing syndrome. Also called: Hereditary Cancer Syndrome; Neoplastic Syndromes, Hereditary; Hereditary neoplastic syndrome; Tumor predisposition. Identifiers: Orphanet 140162, MedGen C0027672, MeSH D009386, MONDO:0015356.
Hereditary breast ovarian cancer syndrome. Also called: Breast and ovarian cancer; Hereditary breast and/or ovarian cancer syndrome; Hereditary breast and ovarian cancer; Hereditary breast and ovarian cancer syndrome; Hereditary breast and ovarian cancer syndrome (HBOC); BRCA1- and BRCA2-Associated Hereditary Breast and Ovarian Cancer. Identifiers: Orphanet 145, MedGen C0677776, MeSH D061325, MONDO:0003582. Disease mechanism: loss of function.
Breast-ovarian cancer, familial, susceptibility to, 2 (BROVCA2). Also called: BRCA2 Hereditary Breast and Ovarian Cancer. Identifiers: Orphanet 145, MedGen C2675520, MONDO:0012933, OMIM 612555. Disease mechanism: loss of function.
Familial cancer of breast. Also called: Hereditary breast cancer; BREAST CANCER, FAMILIAL; hereditary breast carcinoma. Identifiers: Orphanet 227535, MedGen C0346153, MONDO:0016419, OMIM 114480. Disease mechanism: loss of function.

Submissions (7):

Labcorp Genetics (formerly Invitae), Labcorp
Classification: Uncertain significance for Hereditary breast ovarian cancer syndrome. Last evaluated: 2026-01-17. Review status: criteria provided, single submitter. Criteria: Invitae Variant Classification Sherloc (09022015). Collection method: clinical testing. Allele origin: germline.
Comment: This sequence change falls in intron 7 of the BRCA2 gene. It does not directly change the encoded amino acid sequence of the BRCA2 protein. It affects a nucleotide within the consensus splice site. This variant is not present in population databases (gnomAD no frequency). This variant has been observed in individual(s) with breast cancer (PMID: 25381700). ClinVar contains an entry for this variant (Variation ID: 96837). Variants that disrupt the consensus splice site are a relatively common cause of aberrant splicing (PMID: 17576681, 9536098). Studies have shown that this variant is associated with inconclusive levels of altered splicing (internal data). In summary, the available evidence is currently insufficient to determine the role of this variant in disease. Therefore, it has been classified as a Variant of Uncertain Significance.

Color Diagnostics, LLC DBA Color Health
Classification: Uncertain significance for Hereditary cancer-predisposing syndrome. Last evaluated: 2025-08-19. Review status: criteria provided, single submitter. Criteria: ACMG Guidelines, 2015. Collection method: clinical testing. Allele origin: germline.
Comment: This variant deletes two nucleotides at the -3 and -2 position in intron 7 of the BRCA2 gene. An RNA study using a minigene assay has shown this variant does not impact splicing (PMID: 36446827). To our knowledge, functional studies have not been reported for this variant. This variant has been reported in individuals affected with breast cancer (PMID: 35220195). A multifactorial analysis has reached a combined likelihood ratio (LR) of 3.403 based on reported LR for co-occurrence with a pathogenic variant and personal and family history for 1 carrier (PMID: 31853058). This variant has not been identified in the general population by the Genome Aggregation Database (gnomAD). The available evidence is insufficient to determine the role of this variant in disease conclusively. Therefore, this variant is classified as a Variant of Uncertain Significance.

Ambry Genetics
Classification: Uncertain significance for Hereditary cancer-predisposing syndrome. Last evaluated: 2025-01-27. Review status: criteria provided, single submitter. Criteria: Ambry Variant Classification Scheme 2023. Collection method: clinical testing. Allele origin: germline.
Comment: The c.632-3_632-2delCA intronic variant, located upstream of coding exon 7 in the BRCA2 gene, results from a deletion of two nucleotides at the c.632-3 and c.632-2 positions. In silico splice site analysis predicts that this alteration may weaken the native splice acceptor site. RNA studies have demonstrated that this alteration results in an incomplete splice defect; the clinical impact of this abnormal splicing is unknown at this time (Ambry internal data). This alteration was identified in an individual diagnosed with breast cancer (Bora E et al. Cancer Genet, 2022 Apr;262-263:118-133). These nucleotide positions are well conserved in available vertebrate species. Based on the available evidence, the clinical significance of this variant remains unclear.

Baylor Genetics
Classification: Uncertain significance for Familial cancer of breast. Last evaluated: 2023-06-14. Review status: criteria provided, single submitter. Criteria: ACMG Guidelines, 2015. Collection method: clinical testing. Allele origin: unknown.

Quest Diagnostics Nichols Institute San Juan Capistrano
Classification: Uncertain significance. Last evaluated: 2018-09-21. Review status: criteria provided, single submitter. Criteria: Quest Diagnostics criteria. Collection method: clinical testing. Allele origin: germline.

GeneDx
Classification: Uncertain significance. Last evaluated: 2016-04-12. Review status: criteria provided, single submitter. Criteria: GeneDx Variant Classification (06012015). Collection method: clinical testing. Allele origin: germline. Affected: yes.
Comment: This variant is denoted BRCA2 c.632-3_632-2delCA or IVS7-3_IVS7-2delCA and consists of a deletion of two nucleotides at the -2 and -3 position of intron 7 of the BRCA2 gene. Using alternate nomenclature, this variant would be defined as BRCA2 860-3_860-2delCA. The normal sequence with the bases that are deleted in brackets is ctta[ca]gTCA, where the capital letters are exonic and lowercase are intronic. Multiple in silico models predict this variant to destroy the nearby natural acceptor site and to possibly cause abnormal gene splicing; however, in the absence of RNA or functional studies, the actual effect of this variant is unknown. This variant has not, to our knowledge, been published in the literature as pathogenic or benign. BRCA2 c.632-3_632-2delCA was not observed in approximately 6,500 individuals of European and African American ancestry in the NHLBI Exome Sequencing Project, suggesting it is not a common benign variant in these populations. The nucleotides that are deleted are conserved across species. Based on currently available information, it is unclear whether BRCA2 c.632-3_632-2delCA is pathogenic or benign. We consider it to be a variant of uncertain significance.

Sharing Clinical Reports Project (SCRP)
Classification: Uncertain significance for Breast-ovarian cancer, familial 2. Last evaluated: 2007-11-21. Review status: no assertion criteria provided. Collection method: clinical testing. Allele origin: germline. Not counted in ClinVar's aggregate classification.

Literature cited by the submitters: PubMed 25381700 (cited by Labcorp Genetics (formerly Invitae), Labcorp); PubMed 17576681 (cited by Labcorp Genetics (formerly Invitae), Labcorp); PubMed 9536098 (cited by Labcorp Genetics (formerly Invitae), Labcorp); PubMed 31853058 (cited by Color Diagnostics, LLC DBA Color Health); PubMed 35220195 (cited by Color Diagnostics, LLC DBA Color Health and Ambry Genetics); PubMed 36446827 (cited by Color Diagnostics, LLC DBA Color Health).